The following is an entry in ClinVar:

NM_199420.4(POLQ):c.5308G>A (p.Glu1770Lys)

Gene: POLQ (DNA polymerase theta; minus strand). Cytogenetic location: 3q13.33.
Variant type: single nucleotide variant.
Coding change: c.5308G>A on transcript NM_199420.4 (MANE Select); coding-DNA position 5308, G replaced by A.
Protein change: p.Glu1770Lys; replaces glutamic acid 1770 with lysine.
Molecular consequence: missense variant.
Genome position (GRCh38, 1-based): chr3:121,487,623, C>T on the plus strand (G>A on the coding strand, the complement: POLQ is on the minus strand). VCF-style: chr3-121487623-C-T. GRCh37 (hg19) VCF-style: chr3-121206470-C-T.
Other names: short protein forms E1770K.
Identifiers: ClinVar variation 3422615 (VCV003422615.1).

ClinVar aggregate classification (germline): Uncertain significance (1 of 4 stars; one submission).

Submission:

Ambry Genetics
Classification: Uncertain significance. Last evaluated: 2024-10-25. Review status: criteria provided, single submitter. Criteria: Ambry Variant Classification Scheme 2023. Collection method: clinical testing. Allele origin: germline.
Comment: The p.E1770K variant (also known as c.5308G>A), located in coding exon 16 of the POLQ gene, results from a G to A substitution at nucleotide position 5308. The glutamic acid at codon 1770 is replaced by lysine, an amino acid with similar properties. This amino acid position is conserved. In addition, this alteration is predicted to be tolerated by in silico analysis. Based on the available evidence, the clinical significance of this variant remains unclear.